The following is an entry in ClinVar:

NM_004656.4(BAP1):c.1503T>C (p.Ser501=)

Gene: BAP1 (BRCA1 associated deubiquitinase 1; minus strand). Cytogenetic location: 3p21.1.
Variant type: single nucleotide variant.
Coding change: c.1503T>C on transcript NM_004656.4 (MANE Select); coding-DNA position 1503, T replaced by C.
Protein change: p.Ser501=; no amino-acid change (serine 501 retained).
Molecular consequence: synonymous variant.
Genome position (GRCh38, 1-based): chr3:52,403,642, A>G on the plus strand (T>C on the coding strand, the complement: BAP1 is on the minus strand). VCF-style: chr3-52403642-A-G. GRCh37 (hg19) VCF-style: chr3-52437658-A-G.
Other names: c.1449T>C, p.Ser483= (NM_001410772.1); c.1503T>C (NM_004656.3).
Identifiers: ClinVar variation 4824093 (VCV004824093.2).
Genomic context (GRCh38, chr3:52,403,642, plus strand): 5'-GCTGGAGGGCCGCGTCGGGTTGGCTGAGCGGATAGGCGAGCGCAGTGGCGAGTTGAAAGC[A>G]CTGCCGATCTCAGAGGCCGTGTCTGTACTCTCATTGCTGGGGGTGGGTGAGGGCTGCGAG-3'
Protein context (NP_004647.1, residues 491-511): ESTDTASEIG[Ser501=]AFNSPLRSPI

ClinVar aggregate classification (germline): Likely benign. Review status: criteria provided, multiple submitters, no conflicts (2 of 4 stars). 2 submissions from 2 submitters: Likely benign (2). Last evaluated 2026-02-04.

Conditions:
BAP1-related disorder. Also called: BAP1-related condition.
Hereditary cancer-predisposing syndrome. Also called: Hereditary neoplastic syndrome; Tumor predisposition; Hereditary Cancer Syndrome; Neoplastic Syndromes, Hereditary. Identifiers: Orphanet 140162, MedGen C0027672, MeSH D009386, MONDO:0015356.

Submissions (2):

Ambry Genetics
Classification: Likely benign for Hereditary cancer-predisposing syndrome. Last evaluated: 2026-02-04. Review status: criteria provided, single submitter. Criteria: Ambry Variant Classification Scheme 2023. Collection method: clinical testing. Allele origin: germline.

PreventionGenetics, part of Exact Sciences
Classification: Likely benign for BAP1-related condition. Last evaluated: 2026-01-09. Review status: criteria provided, single submitter. Criteria: ACMG Guidelines, 2015. Collection method: clinical testing. Allele origin: germline.
Comment: This variant is classified as likely benign based on ACMG/AMP sequence variant interpretation guidelines (Richards et al. 2015 PMID: 25741868, with internal and published modifications).